The following is an entry in ClinVar:

NM_033305.3(VPS13A):c.1881_1882insACTGTCTCTTATA (p.Arg628fs)

Gene: VPS13A (vacuolar protein sorting 13 homolog A; plus strand). Cytogenetic location: 9q21.2.
Variant type: Insertion.
Coding change: c.1881_1882insACTGTCTCTTATA on transcript NM_033305.3 (MANE Select); coding-DNA positions 1881 to 1882, ACTGTCTCTTATA inserted.
Protein change: p.Arg628fs; shifts the reading frame from arginine 628.
Molecular consequence: frameshift variant.
Genome position: GRCh38 VCF-style: chr9-77238367-T-TACTGTCTCTTATA. GRCh37 (hg19) VCF-style: chr9-79853283-T-TACTGTCTCTTATA.
Other names: c.1881_1882insACTGTCTCTTATA, p.Arg628fs (NM_001018037.2, NM_001018038.3, NM_015186.4); short protein forms R628fs.
Identifiers: ClinVar variation 5010995 (VCV005010995.1).

ClinVar aggregate classification (germline): Pathogenic (1 of 4 stars; one submission).

Conditions:
VPS13A-related neurodegenerative disease. Also called: ACANTHOCYTOSIS WITH NEUROLOGIC DISORDER; LEVINE-CRITCHLEY SYNDROME; Choreoacanthocytosis; Chorea-acanthocytosis; Choreaacanthocytosis; VPS13A Disease. Identifiers: Orphanet 2388, MedGen C0393576, MONDO:0008695, OMIM 200150.

Submission:

Myriad Genetics, Inc.
Classification: Pathogenic for VPS13A-related neurodegenerative disease. Last evaluated: 2024-05-14. Review status: criteria provided, single submitter. Criteria: Myriad Autosomal Dominant, Autosomal Recessive and X-Linked Classification Criteria (2023). Collection method: clinical testing. Allele origin: unknown.
Comment: NM_033305.2(VPS13A):c.1881_1882ins13(R628Tfs*7) is expected to be pathogenic in the context of VPS13A disease. This variant is predicted to lead to an abnormal or absent protein product due to the creation of a premature termination codon in VPS13A, a gene where loss-of-function variants are known to be pathogenic. Please note: this variant was assessed in the context of healthy population screening.